The following is an entry in ClinVar:

NM_018117.12(WDR11):c.3331C>T (p.Arg1111Trp)

Gene: WDR11 (WD repeat domain 11; plus strand). Cytogenetic location: 10q26.12.
Variant type: single nucleotide variant.
Coding change: c.3331C>T on transcript NM_018117.12 (MANE Select); coding-DNA position 3331, C replaced by T.
Protein change: p.Arg1111Trp; replaces arginine 1111 with tryptophan.
Molecular consequence: missense variant.
Genome position (GRCh38, 1-based): chr10:120,905,915, C>T. VCF-style: chr10-120905915-C-T. GRCh37 (hg19) VCF-style: chr10-122665427-C-T.
Other names: short protein forms R1111W.
Identifiers: ClinVar variation 2630475 (VCV002630475.1), dbSNP rs745952055, ClinGen allele CA5720303.
Genomic context (GRCh38, chr10:120,905,915, plus strand): 5'-TAACACAGGCGTCTTTCTCAGGTCCGTTTGAATCCTGAGGAGTGTGCCGATGTTTTAAGG[C>T]GGTGGGTTGACCACCTTTGTTCTCCACAAGTCAATCAGAAATCAAAGGCTCTCCTGGTTC-3'
Protein context (NP_060587.8, residues 1101-1121): NPEECADVLR[Arg1111Trp]WVDHLCSPQV

ClinVar aggregate classification (germline): Uncertain significance (1 of 4 stars; one submission).

Conditions:
WDR11-related disorder. Also called: WDR11-related condition.

Allele frequency attached by ClinVar (database versions not stated): gnomAD exomes 0.00001; ExAC 0.00002; TOPMed 0.00002.
gnomAD v4.1: 10 of 1,613,960 alleles (0.00062%); highest among the groups gnomAD compares: Admixed American, 0.0033%; no homozygotes.

Submission:

PreventionGenetics, part of Exact Sciences
Classification: Uncertain significance for WDR11-related condition. Last evaluated: 2023-07-22. Review status: criteria provided, single submitter. Criteria: ACMG Guidelines, 2015. Collection method: clinical testing. Allele origin: germline.
Comment: The WDR11 c.3331C>T variant is predicted to result in the amino acid substitution p.Arg1111Trp. This variant was reported as a variant of uncertain significance in an individual with hypospadias (Ea et al. 2021. PubMed ID: 33468338). This variant is reported in 0.0062% of alleles in individuals of African descent in gnomAD. At this time, the clinical significance of this variant is uncertain due to the absence of conclusive functional and genetic evidence.